The following is an entry in ClinVar:

NM_002234.4(KCNA5):c.-167C>T

Gene: KCNA5 (potassium voltage-gated channel subfamily A member 5; plus strand). Cytogenetic location: 12p13.32.
Variant type: single nucleotide variant.
Coding change: c.-167C>T on transcript NM_002234.4 (MANE Select); 167 bases upstream of the start codon, C replaced by T.
Molecular consequence: 5 prime UTR variant.
Genome position (GRCh38, 1-based): chr12:5,043,981, C>T. VCF-style: chr12-5043981-C-T. GRCh37 (hg19) VCF-style: chr12-5153147-C-T.
Identifiers: ClinVar variation 309329 (VCV000309329.8), dbSNP rs3741930, ClinGen allele CA10637787.

ClinVar aggregate classification (germline): Benign. Review status: criteria provided, multiple submitters, no conflicts (2 of 4 stars). 3 submissions from 3 submitters: Benign (3). Last evaluated 2018-09-06.

Conditions:
Atrial fibrillation, familial, 7 (ATFB7). Identifiers: MedGen C2677106, MONDO:0012828, OMIM 612240.

Allele frequency attached by ClinVar (database versions not stated): gnomAD exomes 0.40326; gnomAD 0.43501 and 0.44027; TOPMed 0.43979; 1000 Genomes Project 30x 0.52608; 1000 Genomes Project 0.53175.

Submissions (3):

GeneDx
Classification: Benign. Last evaluated: 2018-09-06. Review status: criteria provided, single submitter. Criteria: GeneDx Variant Classification Process June 2021. Collection method: clinical testing. Allele origin: germline. Affected: yes.

Illumina Laboratory Services, Illumina
Classification: Benign for Atrial fibrillation, familial, 7. Last evaluated: 2018-01-12. Review status: criteria provided, single submitter. Criteria: ICSL Variant Classification Criteria 13 December 2019. Collection method: clinical testing. Allele origin: germline.
Comment: This variant was observed in the ICSL laboratory as part of a predisposition screen in an ostensibly healthy population. It had not been previously curated by ICSL or reported in the Human Gene Mutation Database (HGMD: prior to June 1st, 2018), and was therefore a candidate for classification through an automated scoring system. Utilizing variant allele frequency, disease prevalence and penetrance estimates, and inheritance mode, an automated score was calculated to assess if this variant is too frequent to cause the disease. Based on the score and internal cut-off values, a variant classified as benign is not then subjected to further curation. The score for this variant resulted in a classification of benign for this disease.

Breakthrough Genomics
Classification: Benign. Review status: criteria provided, single submitter. Criteria: ACMG Guidelines, 2015. Collection method: not provided. Allele origin: germline. Inheritance: Autosomal dominant inheritance. Affected: yes.